The following is an entry in ClinVar:

NM_020207.7(ERCC6L2):c.2710A>G (p.Ile904Val)

Gene: ERCC6L2 (ERCC excision repair 6 like 2; plus strand). Cytogenetic location: 9q22.32.
Variant type: single nucleotide variant.
Coding change: c.2710A>G on transcript NM_020207.7 (MANE Select); coding-DNA position 2710, A replaced by G.
Protein change: p.Ile904Val; replaces isoleucine 904 with valine.
Molecular consequence: missense variant. On other transcripts: non-coding transcript variant (1).
Genome position (GRCh38, 1-based): chr9:95,972,461, A>G. VCF-style: chr9-95972461-A-G. GRCh37 (hg19) VCF-style: chr9-98734743-A-G.
Other names: c.2710A>G, p.Ile904Val (NM_001375291.1, NM_001375292.1, NM_001375293.1 and 1 more transcripts); short protein forms I904V.
Identifiers: ClinVar variation 4703714 (VCV004703714.1).

ClinVar aggregate classification (germline): Uncertain significance (1 of 4 stars; one submission).

gnomAD v4.1: 4 of 1,286,510 alleles (0.00031%); highest among the groups gnomAD compares: African/African-American, 0.0015%; no homozygotes.

Submission:

Labcorp Genetics (formerly Invitae), Labcorp
Classification: Uncertain significance. Last evaluated: 2025-10-29. Review status: criteria provided, single submitter. Criteria: Invitae Variant Classification Sherloc (09022015). Collection method: clinical testing. Allele origin: germline.
Comment: This sequence change replaces isoleucine, which is neutral and non-polar, with valine, which is neutral and non-polar, at codon 915 of the ERCC6L2 protein (p.Ile915Val). This variant is present in population databases (no rsID available, gnomAD 0.002%). This variant has not been reported in the literature in individuals affected with ERCC6L2-related conditions. Experimental studies and prediction algorithms are not available or were not evaluated, and the functional significance of this variant is currently unknown. In summary, the available evidence is currently insufficient to determine the role of this variant in disease. Therefore, it has been classified as a Variant of Uncertain Significance.